The following is an entry in ClinVar:

NM_000257.4(MYH7):c.3422G>A (p.Arg1141Gln)

Gene: MYH7 (myosin heavy chain 7; minus strand). Cytogenetic location: 14q11.2.
Variant type: single nucleotide variant.
Coding change: c.3422G>A on transcript NM_000257.4 (MANE Select); coding-DNA position 3422, G replaced by A.
Protein change: p.Arg1141Gln; replaces arginine 1141 with glutamine.
Molecular consequence: missense variant.
Genome position (GRCh38, 1-based): chr14:23,420,149, C>T on the plus strand (G>A on the coding strand, the complement: MYH7 is on the minus strand). VCF-style: chr14-23420149-C-T. GRCh37 (hg19) VCF-style: chr14-23889358-C-T.
Other names: short protein forms R1141Q.
Identifiers: ClinVar variation 629776 (VCV000629776.18), dbSNP rs1407919500, ClinGen allele CA389043939.

ClinVar aggregate classification (germline): Uncertain significance. Review status: criteria provided, multiple submitters, no conflicts (2 of 4 stars). 5 submissions from 5 submitters: Uncertain significance (5). Last evaluated 2024-09-19.

Conditions:
Cardiovascular phenotype. Identifiers: MedGen CN230736.
MYH7-related disorder. Also called: MYH7-related disorders; MYH7-related condition; MYH7-related disease.
Cardiomyopathy (CMYO). Also called: Cardiomyopathies. Identifiers: Orphanet 167848, MedGen C0878544, MONDO:0004994, HP:0001638. Inheritance: Various modes of inheritance.
Hypertrophic cardiomyopathy. Also called: HYPERTROPHIC MYOCARDIOPATHY. Identifiers: Orphanet 217569, MedGen C0007194, MeSH D002312, MONDO:0005045, HP:0001639.

Allele frequency attached by ClinVar (database versions not stated): TOPMed below 0.00001; gnomAD exomes below 0.00001.
gnomAD v4.1: 5 of 1,604,956 alleles (0.00031%); highest among the groups gnomAD compares: Middle Eastern, 0.018%; no homozygotes.

Submissions (5):

Ambry Genetics
Classification: Uncertain significance for Cardiovascular phenotype. Last evaluated: 2024-09-19. Review status: criteria provided, single submitter. Criteria: Ambry Variant Classification Scheme 2023. Collection method: clinical testing. Allele origin: germline.
Comment: The p.R1141Q variant (also known as c.3422G>A), located in coding exon 25 of the MYH7 gene, results from a G to A substitution at nucleotide position 3422. The arginine at codon 1141 is replaced by glutamine, an amino acid with highly similar properties. This amino acid position is highly conserved in available vertebrate species. In addition, the in silico prediction for this alteration is inconclusive. Based on the available evidence, the clinical significance of this variant remains unclear.

Labcorp Genetics (formerly Invitae), Labcorp
Classification: Uncertain significance for Hypertrophic cardiomyopathy. Last evaluated: 2024-08-07. Review status: criteria provided, single submitter. Criteria: Invitae Variant Classification Sherloc (09022015). Collection method: clinical testing. Allele origin: germline.
Comment: This sequence change replaces arginine, which is basic and polar, with glutamine, which is neutral and polar, at codon 1141 of the MYH7 protein (p.Arg1141Gln). The frequency data for this variant in the population databases is considered unreliable, as metrics indicate poor data quality at this position in the gnomAD database. This variant has not been reported in the literature in individuals affected with MYH7-related conditions. ClinVar contains an entry for this variant (Variation ID: 629776). Advanced modeling of protein sequence and biophysical properties (such as structural, functional, and spatial information, amino acid conservation, physicochemical variation, residue mobility, and thermodynamic stability) performed at Invitae indicates that this missense variant is expected to disrupt MYH7 protein function with a positive predictive value of 80%. In summary, the available evidence is currently insufficient to determine the role of this variant in disease. Therefore, it has been classified as a Variant of Uncertain Significance.

Color Diagnostics, LLC DBA Color Health
Classification: Uncertain significance for Cardiomyopathy. Last evaluated: 2024-03-06. Review status: criteria provided, single submitter. Criteria: ACMG Guidelines, 2015. Collection method: clinical testing. Allele origin: germline.
Comment: This missense variant replaces arginine with glutamine at codon 1141 of the MYH7 protein. Computational prediction is inconclusive regarding the impact of this variant on protein structure and function (internally defined REVEL score threshold 0.5 < inconclusive < 0.7, PMID: 27666373). To our knowledge, functional studies have not been reported for this variant. This variant has not been reported in individuals affected with MYH7-related disorders in the literature. This variant has been identified in 1/234818 chromosomes in the general population by the Genome Aggregation Database (gnomAD). The available evidence is insufficient to determine the role of this variant in disease conclusively. Therefore, this variant is classified as a Variant of Uncertain Significance.

PreventionGenetics, part of Exact Sciences
Classification: Uncertain significance for MYH7-related condition. Last evaluated: 2022-11-10. Review status: criteria provided, single submitter. Criteria: ACMG Guidelines, 2015. Collection method: clinical testing. Allele origin: germline.
Comment: The MYH7 c.3422G>A variant is predicted to result in the amino acid substitution p.Arg1141Gln. To our knowledge, this variant has not been reported in the literature. This variant is reported in 0.00095% of alleles in individuals of European (Non-Finnish) descent in gnomAD. At this time, the clinical significance of this variant is uncertain due to the absence of conclusive functional and genetic evidence.

GeneDx
Classification: Uncertain significance. Last evaluated: 2020-06-24. Review status: criteria provided, single submitter. Criteria: GeneDx Variant Classification Process June 2021. Collection method: clinical testing. Allele origin: germline. Affected: yes.
Comment: Has not been previously published as pathogenic or benign to our knowledge; Reported in ClinVar as a variant of uncertain significance (ClinVar Variant ID# 629776; Landrum et al., 2016); Not observed at a significant frequency in large population cohorts (Lek et al., 2016); In silico analysis supports that this missense variant does not alter protein structure/function